The following is an entry in ClinVar:

ClinVar aggregate classification (germline): Uncertain significance (1 of 4 stars; one submission).

gnomAD v4.1: 5 of 1,612,690 alleles (0.00031%); highest among the groups gnomAD compares: Non-Finnish European, 0.00042%; no homozygotes.

Submission:

GeneDx
Classification: Uncertain significance. Last evaluated: 2023-11-14. Review status: criteria provided, single submitter. Criteria: GeneDx Variant Classification Process June 2021. Collection method: clinical testing. Allele origin: germline. Affected: yes.
Comment: Not observed at significant frequency in large population cohorts (gnomAD); In silico analysis supports that this missense variant does not alter protein structure/function; Has not been previously published as pathogenic or benign to our knowledge

NM_017617.5(NOTCH1):c.6961A>C (p.Asn2321His)

Gene: NOTCH1 (notch receptor 1; minus strand). Cytogenetic location: 9q34.3.
Variant type: single nucleotide variant.
Coding change: c.6961A>C on transcript NM_017617.5 (MANE Select); coding-DNA position 6961, A replaced by C.
Protein change: p.Asn2321His; replaces asparagine 2321 with histidine.
Molecular consequence: missense variant.
Genome position (GRCh38, 1-based): chr9:136,496,778, T>G on the plus strand (A>C on the coding strand, the complement: NOTCH1 is on the minus strand). VCF-style: chr9-136496778-T-G. GRCh37 (hg19) VCF-style: chr9-139391230-T-G.
Other names: short protein forms N2321H.
Identifiers: ClinVar variation 3364360 (VCV003364360.1).